The following is an entry in ClinVar:

ClinVar aggregate classification (germline): Uncertain significance (1 of 4 stars; one submission).

Submission:

Ambry Genetics
Classification: Uncertain significance. Last evaluated: 2024-06-26. Review status: criteria provided, single submitter. Criteria: Ambry Variant Classification Scheme 2023. Collection method: clinical testing. Allele origin: germline.
Comment: The p.A648T variant (also known as c.1942G>A), located in coding exon 13 of the RINT1 gene, results from a G to A substitution at nucleotide position 1942. The alanine at codon 648 is replaced by threonine, an amino acid with similar properties. This amino acid position is conserved. In addition, the in silico prediction for this alteration is inconclusive. Since supporting evidence is limited at this time, the clinical significance of this alteration remains unclear.

NM_021930.6(RINT1):c.1942G>A (p.Ala648Thr)

Genes: EFCAB10 (EF-hand calcium binding domain 10; minus strand), RINT1 (RAD50 interactor 1; plus strand). Cytogenetic location: 7q22.3.
Variant type: single nucleotide variant.
Coding change: c.1942G>A on transcript NM_021930.6 (MANE Select); coding-DNA position 1942, G replaced by A.
Protein change: p.Ala648Thr; replaces alanine 648 with threonine.
Molecular consequence: missense variant. On other transcripts: 3 prime UTR variant (3), non-coding transcript variant (1).
Genome position (GRCh38, 1-based): chr7:105,565,332, G>A. VCF-style: chr7-105565332-G-A. GRCh37 (hg19) VCF-style: chr7-105205779-G-A.
Other names: c.*115C>T (NM_001355526.2); c.*217C>T (NM_001355530.2); c.*70C>T (NM_001355531.2); c.1708G>A, p.Ala570Thr (NM_001346599.2); c.919G>A, p.Ala307Thr (NM_001346600.2, NM_001346603.2); c.1018G>A, p.Ala340Thr (NM_001346601.2); short protein forms A340T, A570T, A648T, A307T.
Identifiers: ClinVar variation 1783074 (VCV001783074.3), dbSNP rs2133476191, ClinGen allele CA368814749.
Genomic context (GRCh38, chr7:105,565,332, plus strand): 5'-TCCAGATGGTTGTCCTTGCCATCTCAGTCAGAGCAGGCAGTGATGTCCCTGTCCAGTTCG[G>A]CTTGCCCGTTGCTGCTGACGTTACGAGACCATTTACTTCAGTTGGAGCAGCAGCTTTGTT-3'
Protein context (NP_068749.3, residues 638-658): EQAVMSLSSS[Ala648Thr]CPLLLTLRDH